The following is an entry in ClinVar:

NM_032776.3(JMJD1C):c.1010G>A (p.Arg337Gln)

Gene: JMJD1C (jumonji domain containing 1C; minus strand). Cytogenetic location: 10q21.3.
Variant type: single nucleotide variant.
Coding change: c.1010G>A on transcript NM_032776.3 (MANE Select); coding-DNA position 1010, G replaced by A.
Protein change: p.Arg337Gln; replaces arginine 337 with glutamine.
Molecular consequence: missense variant. On other transcripts: non-coding transcript variant (1).
Genome position (GRCh38, 1-based): chr10:63,215,268, C>T on the plus strand (G>A on the coding strand, the complement: JMJD1C is on the minus strand). VCF-style: chr10-63215268-C-T. GRCh37 (hg19) VCF-style: chr10-64975028-C-T.
Other names: c.464G>A, p.Arg155Gln (NM_001282948.2, NM_001318154.2); c.146G>A, p.Arg49Gln (NM_001318153.2); c.896G>A, p.Arg299Gln (NM_001322252.2); c.353G>A, p.Arg118Gln (NM_001322254.2, NM_001322258.2); short protein forms R337Q, R49Q, R299Q, R155Q, R118Q.
Identifiers: ClinVar variation 460209 (VCV000460209.8), dbSNP rs760250621, ClinGen allele CA5518898.

ClinVar aggregate classification (germline): Uncertain significance (1 of 4 stars; one submission).

Conditions:
Early Myoclonic Encephalopathy. Identifiers: MedGen C0270855.

Allele frequency attached by ClinVar (database versions not stated): gnomAD exomes 0.00004; gnomAD 0.00001; TOPMed 0.00003.
gnomAD v4.1: 60 of 1,611,484 alleles (0.0037%); highest among the groups gnomAD compares: Non-Finnish European, 0.0047%; no homozygotes.

Submission:

Labcorp Genetics (formerly Invitae), Labcorp
Classification: Uncertain significance for Early Myoclonic Encephalopathy. Last evaluated: 2022-04-04. Review status: criteria provided, single submitter. Criteria: Invitae Variant Classification Sherloc (09022015). Collection method: clinical testing. Allele origin: germline.
Comment: This variant has not been reported in the literature in individuals affected with JMJD1C-related conditions. This variant is present in population databases (rs760250621, gnomAD 0.004%). This sequence change replaces arginine, which is basic and polar, with glutamine, which is neutral and polar, at codon 337 of the JMJD1C protein (p.Arg337Gln). ClinVar contains an entry for this variant (Variation ID: 460209). In summary, the available evidence is currently insufficient to determine the role of this variant in disease. Therefore, it has been classified as a Variant of Uncertain Significance. Algorithms developed to predict the effect of missense changes on protein structure and function are either unavailable or do not agree on the potential impact of this missense change (SIFT: "Deleterious"; PolyPhen-2: "Benign"; Align-GVGD: "Class C0").